The following is an entry in ClinVar:

NM_032634.4(PIGO):c.1365T>G (p.Thr455=)

Gene: PIGO (phosphatidylinositol glycan anchor biosynthesis class O; minus strand). Cytogenetic location: 9p13.3.
Variant type: single nucleotide variant.
Coding change: c.1365T>G on transcript NM_032634.4 (MANE Select); coding-DNA position 1365, T replaced by G.
Protein change: p.Thr455=; no amino-acid change (threonine 455 retained).
Molecular consequence: synonymous variant. On other transcripts: intron variant (2).
Genome position (GRCh38, 1-based): chr9:35,092,522, A>C on the plus strand (T>G on the coding strand, the complement: PIGO is on the minus strand). VCF-style: chr9-35092522-A-C. GRCh37 (hg19) VCF-style: chr9-35092519-A-C.
Other names: c.1344+21T>G (NM_152850.4, NM_001201484.2).
Identifiers: ClinVar variation 1438965 (VCV001438965.6), dbSNP rs2131077068, ClinGen allele CA464603673.

ClinVar aggregate classification (germline): Uncertain significance (1 of 4 stars; one submission).

Conditions:
Hyperphosphatasia with impaired intellectual development syndrome 2. Also called: Hyperphosphatasia with intellectual disability syndrome 2; GLYCOSYLPHOSPHATIDYLINOSITOL BIOSYNTHESIS DEFECT 6. Identifiers: Orphanet 247262, MedGen C3553637, MONDO:0013882, OMIM 614749.

Submission:

Labcorp Genetics (formerly Invitae), Labcorp
Classification: Uncertain significance for Hyperphosphatasia with impaired intellectual development syndrome 2. Last evaluated: 2022-07-05. Review status: criteria provided, single submitter. Criteria: Invitae Variant Classification Sherloc (09022015). Collection method: clinical testing. Allele origin: germline.
Comment: In summary, the available evidence is currently insufficient to determine the role of this variant in disease. Therefore, it has been classified as a Variant of Uncertain Significance. Algorithms developed to predict the effect of sequence changes on RNA splicing suggest that this variant may create or strengthen a splice site. ClinVar contains an entry for this variant (Variation ID: 1438965). This variant has not been reported in the literature in individuals affected with PIGO-related conditions. This variant is not present in population databases (gnomAD no frequency). This sequence change affects codon 455 of the PIGO mRNA. It is a 'silent' change, meaning that it does not change the encoded amino acid sequence of the PIGO protein.